The following is an entry in ClinVar:

NM_015047.3(EMC1):c.2978G>A (p.Arg993Gln)

Genes: EMC1 (ER membrane protein complex subunit 1; minus strand), EMC1-AS1 (EMC1 antisense RNA 1; plus strand). Cytogenetic location: 1p36.13.
Variant type: single nucleotide variant.
Coding change: c.2978G>A on transcript NM_015047.3 (MANE Select); coding-DNA position 2978, G replaced by A.
Protein change: p.Arg993Gln; replaces arginine 993 with glutamine.
Molecular consequence: missense variant.
Genome position (GRCh38, 1-based): chr1:19,219,307, C>T on the plus strand (G>A on the coding strand, the complement: EMC1 is on the minus strand). VCF-style: chr1-19219307-C-T. GRCh37 (hg19) VCF-style: chr1-19545801-C-T.
Other names: c.2978G>A (NM_015047.1); c.2975G>A, p.Arg992Gln (NM_001271427.2, NM_001271428.2); c.2912G>A, p.Arg971Gln (NM_001271429.2); c.2987G>A, p.Arg996Gln (NM_001375820.1); c.2984G>A, p.Arg995Gln (NM_001375821.1); short protein forms R971Q, R992Q, R996Q, R993Q, R995Q.
Identifiers: ClinVar variation 1374892 (VCV001374892.7), dbSNP rs141380621, ClinGen allele CA652106.
Genomic context (GRCh38, chr1:19,219,307, plus strand): 5'-TGCTTATCTGACCCACACTCCCCTGGCTCTCCACTTTTAGGCACAGTCTTTGTTCTTTAT[C>T]GCCAGGCCCGATTCAGGAGCTTCACCTGTGCCAGTCTCTTAGTGATCATGGTGGCAAAAA-3'
Protein context (NP_055862.1, residues 983-993): AQVKLLNRAW[Arg993Gln]

ClinVar aggregate classification (germline): Uncertain significance. Review status: criteria provided, multiple submitters, no conflicts (2 of 4 stars). 2 submissions from 2 submitters: Uncertain significance (2). Last evaluated 2025-01-26.

Conditions:
Inborn genetic diseases. Identifiers: MedGen C0950123, MeSH D030342.

Allele frequency attached by ClinVar (database versions not stated): ExAC 0.00002; gnomAD exomes 0.00002 and 0.00007; gnomAD 0.00004; TOPMed 0.00004; ESP Exome Variant Server 0.00008.
gnomAD v4.1: 101 of 1,613,942 alleles (0.0063%); highest among the groups gnomAD compares: Non-Finnish European, 0.0082%; no homozygotes.

Submissions (2):

Labcorp Genetics (formerly Invitae), Labcorp
Classification: Uncertain significance. Last evaluated: 2025-01-26. Review status: criteria provided, single submitter. Criteria: Invitae Variant Classification Sherloc (09022015). Collection method: clinical testing. Allele origin: germline.
Comment: This sequence change replaces arginine, which is basic and polar, with glutamine, which is neutral and polar, at codon 993 of the EMC1 protein (p.Arg993Gln). This variant is present in population databases (rs141380621, gnomAD 0.005%). This variant has not been reported in the literature in individuals affected with EMC1-related conditions. ClinVar contains an entry for this variant (Variation ID: 1374892). Invitae Evidence Modeling of protein sequence and biophysical properties (such as structural, functional, and spatial information, amino acid conservation, physicochemical variation, residue mobility, and thermodynamic stability) indicates that this missense variant is not expected to disrupt EMC1 protein function with a negative predictive value of 80%. In summary, the available evidence is currently insufficient to determine the role of this variant in disease. Therefore, it has been classified as a Variant of Uncertain Significance.

Ambry Genetics
Classification: Uncertain significance for Inborn genetic diseases. Last evaluated: 2024-09-18. Review status: criteria provided, single submitter. Criteria: Ambry Variant Classification Scheme 2023. Collection method: clinical testing. Allele origin: germline.